The following is an entry in ClinVar:

ClinVar aggregate classification (germline): Pathogenic (1 of 4 stars; one submission).

Conditions:
Niemann-Pick disease, type C1. Also called: NIEMANN-PICK DISEASE, VARIANT TYPE C1; NEUROVISCERAL STORAGE DISEASE WITH VERTICAL SUPRANUCLEAR OPHTHALMOPLEGIA; NIEMANN-PICK DISEASE WITH CHOLESTEROL ESTERIFICATION BLOCK; NIEMANN-PICK DISEASE WITHOUT SPHINGOMYELINASE DEFICIENCY; NIEMANN-PICK DISEASE, CHRONIC NEURONOPATHIC FORM. Identifiers: Orphanet 646, MedGen C3179455, MONDO:0009757, OMIM 257220.

Submission:

Labcorp Genetics (formerly Invitae), Labcorp
Classification: Pathogenic for Niemann-Pick disease, type C1. Last evaluated: 2022-02-04. Review status: criteria provided, single submitter. Criteria: Invitae Variant Classification Sherloc (09022015). Collection method: clinical testing. Allele origin: germline.
Comment: For these reasons, this variant has been classified as Pathogenic. This variant has not been reported in the literature in individuals affected with NPC1-related conditions. This variant is not present in population databases (gnomAD no frequency). This sequence change creates a premature translational stop signal (p.Ser385Glnfs*12) in the NPC1 gene. It is expected to result in an absent or disrupted protein product. Loss-of-function variants in NPC1 are known to be pathogenic (PMID: 9211850).

Literature cited by the submitters: PubMed 9211850.

NM_000271.5(NPC1):c.1152dup (p.Ser385fs)

Gene: NPC1 (NPC intracellular cholesterol transporter 1; minus strand). Cytogenetic location: 18q11.2.
Variant type: Duplication.
Coding change: c.1152dup on transcript NM_000271.5 (MANE Select); coding-DNA position 1152, one base duplicated (C; older notation c.1152dupC).
Protein change: p.Ser385fs; shifts the reading frame from serine 385.
Molecular consequence: frameshift variant.
Genome position (GRCh38, 1-based): chr18:23,556,417, G duplicated on the plus strand (C on the coding strand, the reverse complement: NPC1 is on the minus strand); the first of 5 consecutive G bases (chr18:23,556,417-23,556,421); duplicating any one gives the same sequence. VCF-style (leftmost placement, unchanged base first): chr18-23556416-T-TG. GRCh37 (hg19) VCF-style: chr18-21136380-T-TG.
Other names: short protein forms S385fs.
Identifiers: ClinVar variation 1416246 (VCV001416246.6), dbSNP rs2145456711, ClinGen allele CA2573155253.